The following is an entry in ClinVar:

ClinVar aggregate classification (germline): Likely benign (1 of 4 stars; one submission).

Allele frequency attached by ClinVar (database versions not stated): gnomAD 0.04027 and 0.04266; ESP Exome Variant Server 0.04322; TOPMed 0.04543; 1000 Genomes Project 30x 0.04872; 1000 Genomes Project 0.05032; gnomAD exomes 0.05393.

Submission:

GeneDx
Classification: Likely benign. Last evaluated: 2018-06-14. Review status: criteria provided, single submitter. Criteria: GeneDx Variant Classification (06012015). Collection method: clinical testing. Allele origin: germline. Affected: yes.
Comment: This variant is considered likely benign or benign based on one or more of the following criteria: it is a conservative change, it occurs at a poorly conserved position in the protein, it is predicted to be benign by multiple in silico algorithms, and/or has population frequency not consistent with disease.

NM_006016.6(CD164):c.427+58_427+59dup

Gene: CD164 (CD164 molecule; minus strand). Cytogenetic location: 6q21.
Variant type: Duplication.
Coding change: c.427+58_427+59dup on transcript NM_006016.6 (MANE Select); bases 58 to 59 of the intron after coding-DNA position 427, 2 bases duplicated (TA; older notation c.427+58_427+59dupTA).
Molecular consequence: intron variant.
Genome position (GRCh38, 1-based): chr6:109,370,352-109,370,353, TA duplicated on the plus strand (TA on the coding strand, the reverse complement: CD164 is on the minus strand). VCF-style (leftmost placement, unchanged base first): chr6-109370351-G-GTA. GRCh37 (hg19) VCF-style: chr6-109691554-G-GTA.
Other names: c.388+58_388+59dup (NM_001142401.3); c.371-1336_371-1335dup (NM_001142402.3); c.427+58_427+59dup (NM_001142404.3, NM_001142403.3); c.325+58_325+59dup (NM_001346500.2).
Identifiers: ClinVar variation 682717 (VCV000682717.1), dbSNP rs3831331, ClinGen allele CA145095400.